The following is an entry in ClinVar:

ClinVar aggregate classification (germline): Uncertain significance (1 of 4 stars; one submission).

Conditions:
Arrhythmogenic right ventricular dysplasia 11. Also called: Arrhythmogenic right ventricular dysplasia 11 with mild palmoplantar keratoderma and woolly hair; Arrhythmogenic Right Ventricular Dysplasia/Cardiomyopathy11; ARRHYTHMOGENIC RIGHT VENTRICULAR DYSPLASIA, FAMILIAL, 11. Identifiers: MedGen C1864850, MONDO:0012506, OMIM 610476.

Allele frequency attached by ClinVar (database versions not stated): gnomAD exomes below 0.00001.
gnomAD v4.1: 1 of 1,613,808 alleles (0.000062%); highest among the groups gnomAD compares: South Asian, 0.0011%; no homozygotes.

Submission:

Labcorp Genetics (formerly Invitae), Labcorp
Classification: Uncertain significance for Arrhythmogenic right ventricular dysplasia 11. Last evaluated: 2025-07-06. Review status: criteria provided, single submitter. Criteria: Invitae Variant Classification Sherloc (09022015). Collection method: clinical testing. Allele origin: germline.
Comment: This sequence change replaces proline, which is neutral and non-polar, with leucine, which is neutral and non-polar, at codon 745 of the DSC2 protein (p.Pro745Leu). This variant is not present in population databases (gnomAD no frequency). This variant has not been reported in the literature in individuals affected with DSC2-related conditions. ClinVar contains an entry for this variant (Variation ID: 1433622). Invitae Evidence Modeling of protein sequence and biophysical properties (such as structural, functional, and spatial information, amino acid conservation, physicochemical variation, residue mobility, and thermodynamic stability) indicates that this missense variant is expected to disrupt DSC2 protein function with a positive predictive value of 80%. In summary, the available evidence is currently insufficient to determine the role of this variant in disease. Therefore, it has been classified as a Variant of Uncertain Significance.

NM_024422.6(DSC2):c.2234C>T (p.Pro745Leu)

Gene: DSC2 (desmocollin 2; minus strand). Cytogenetic location: 18q12.1.
Variant type: single nucleotide variant.
Coding change: c.2234C>T on transcript NM_024422.6 (MANE Select); coding-DNA position 2234, C replaced by T.
Protein change: p.Pro745Leu; replaces proline 745 with leucine.
Molecular consequence: missense variant.
Genome position (GRCh38, 1-based): chr18:31,070,742, G>A on the plus strand (C>T on the coding strand, the complement: DSC2 is on the minus strand). VCF-style: chr18-31070742-G-A. GRCh37 (hg19) VCF-style: chr18-28650708-G-A.
Other names: c.2234C>T, p.Pro745Leu (NM_004949.5); short protein forms P745L.
Identifiers: ClinVar variation 1433622 (VCV001433622.8), dbSNP rs2144788073, ClinGen allele CA402112328.